The following is an entry in ClinVar:

ClinVar aggregate classification (germline): Conflicting classifications of pathogenicity. Review status: criteria provided, conflicting classifications (1 of 4 stars). 3 submissions from 3 submitters: Uncertain significance (1); Likely benign (1). 1 of the submissions does not count toward it. Last evaluated 2024-10-18.

Conditions:
Inborn genetic diseases. Identifiers: MedGen C0950123, MeSH D030342.
SETD1B-related disorder. Also called: SETD1B-related condition.

Allele frequency attached by ClinVar (database versions not stated): 1000 Genomes Project 0.00060; 1000 Genomes Project 30x 0.00062; ESP Exome Variant Server 0.00088.
gnomAD v4.1: 167 of 1,549,272 alleles (0.011%); highest among the groups gnomAD compares: African/African-American, 0.21%; no homozygotes.

Submissions (3):

Blueprint Genetics
Classification: Likely benign. Last evaluated: 2024-10-18. Review status: criteria provided, single submitter. Criteria: ACMG Guidelines, 2015. Collection method: clinical testing. Allele origin: germline.

Ambry Genetics
Classification: Uncertain significance for Inborn genetic diseases. Last evaluated: 2021-07-14. Review status: criteria provided, single submitter. Criteria: Ambry Variant Classification Scheme 2023. Collection method: clinical testing. Allele origin: germline.

PreventionGenetics, part of Exact Sciences
Classification: Likely benign for SETD1B-related condition. Last evaluated: 2022-08-02. Review status: no assertion criteria provided. Collection method: clinical testing. Allele origin: germline. Not counted in ClinVar's aggregate classification.
Comment: This variant is classified as likely benign based on ACMG/AMP sequence variant interpretation guidelines (Richards et al. 2015 PMID: 25741868, with internal and published modifications).

NM_001353345.2(SETD1B):c.1478A>C (p.Glu493Ala)

Gene: SETD1B (SET domain containing 1B, histone lysine methyltransferase; plus strand). Cytogenetic location: 12q24.31.
Variant type: single nucleotide variant.
Coding change: c.1478A>C on transcript NM_001353345.2 (MANE Select); coding-DNA position 1478, A replaced by C.
Protein change: p.Glu493Ala; replaces glutamic acid 493 with alanine.
Molecular consequence: missense variant.
Genome position (GRCh38, 1-based): chr12:121,810,423, A>C. VCF-style: chr12-121810423-A-C. GRCh37 (hg19) VCF-style: chr12-122248329-A-C.
Other names: NM_015048.1:c.1478A>C; short protein forms E493A.
Identifiers: ClinVar variation 2212461 (VCV002212461.5), dbSNP rs190344718, ClinGen allele CA6838874.